The following is an entry in ClinVar:

NM_000277.3(PAH):c.510T>G (p.His170Gln)

Gene: PAH (phenylalanine hydroxylase; minus strand). Cytogenetic location: 12q23.2.
Variant type: single nucleotide variant.
Coding change: c.510T>G on transcript NM_000277.3 (MANE Select); coding-DNA position 510, T replaced by G.
Protein change: p.His170Gln; replaces histidine 170 with glutamine.
Molecular consequence: missense variant.
Genome position (GRCh38, 1-based): chr12:102,855,332, A>C on the plus strand (T>G on the coding strand, the complement: PAH is on the minus strand). VCF-style: chr12-102855332-A-C. GRCh37 (hg19) VCF-style: chr12-103249110-A-C.
Other names: c.510T>G, p.His170Gln (NM_001354304.2); c.510T>G (NM_000277.2); short protein forms H170Q.
Identifiers: ClinVar variation 944625 (VCV000944625.20), dbSNP rs199475652, ClinGen allele CA6748900.

ClinVar aggregate classification (germline): Pathogenic. Review status: criteria provided, multiple submitters, no conflicts (2 of 4 stars). 5 submissions from 5 submitters: Pathogenic (5). Last evaluated 2025-12-05.

Conditions:
Phenylketonuria (PKU). Also called: OLIGOPHRENIA PHENYLPYRUVICA; Phenylketonurias; Phenylketonuria (PKU); FOLLING DISEASE. Identifiers: Orphanet 716, MedGen C0031485, MONDO:0009861, OMIM 261600. Disease mechanism: loss of function.

Allele frequency attached by ClinVar (database versions not stated): ExAC 0.00001; TOPMed 0.00005.
gnomAD v4.1: 36 of 1,613,908 alleles (0.0022%); highest among the groups gnomAD compares: Non-Finnish European, 0.0031%; no homozygotes.

Submissions (5):

Natera, Inc.
Classification: Pathogenic for Phenylketonuria. Last evaluated: 2025-12-05. Review status: criteria provided, single submitter. Criteria: Natera Variant Classification Schema (03/2026). Collection method: clinical testing. Allele origin: germline.
Comment: The c.510T>G variant in PAH is a missense variant predicted to cause substitution of histidine to glutamine at amino acid 170. This variant is rare in the general population with a frequency below the threshold expected for the associated phenotype(s). This variant has been observed in one or more individuals affected with the associated recessive disease, as either homozygous or compound heterozygous with a second variant (PMID: 23932990, 21147011). Another variant at this same site results in an alteration predicted to cause a similar molecular effect has been observed in individual(s) with the associated phenotype. A different variant at the same position has been determined to be Pathogenic or Likely Pathogenic. Computational prediction algorithms indicate this variant is likely to affect gene or protein function. Given the available evidence, this variant is classified as Pathogenic.

Variantyx, Inc.
Classification: Pathogenic for Phenylketonuria. Last evaluated: 2025-03-20. Review status: criteria provided, single submitter. Criteria: Variantyx Assertion Criteria 2022. Collection method: clinical testing. Allele origin: maternal. Inheritance: Autosomal recessive inheritance.
Comment: This is a nonsynonymous variant in the PAH gene (OMIM: 612349). Pathogenic variants in this gene have been associated with autosomal recessive phenylketonuria. The MAF of the European (non-Finnish) population is reported as 0.0000305 (PM2). Multiple computational algorithms predict a deleterious effect for this variant (REVEL score: 0.868) (PP3) and functional studies have confirmed a detrimental effect on protein function (PMID: 18538294)( (PS3). A previously established pathogenic variant (c.510T>A) (ClinVar ID: 102715) (2* P/LP) was reported with same amino acid change (PS1). This variant was detected in trans in the heterozygous state in many unrelated affected individuals (PMID:12501224, 23932990, 2660052((PM2). Based on this evidence, this variant is classified as pathogenic for autosomal recessive phenylketonuria.

Labcorp Genetics (formerly Invitae), Labcorp
Classification: Pathogenic for Phenylketonuria. Last evaluated: 2025-02-13. Review status: criteria provided, single submitter. Criteria: Invitae Variant Classification Sherloc (09022015). Collection method: clinical testing. Allele origin: germline.
Comment: This sequence change replaces histidine, which is basic and polar, with glutamine, which is neutral and polar, at codon 170 of the PAH protein (p.His170Gln). This variant is present in population databases (rs199475652, gnomAD 0.0009%). This missense change has been observed in individual(s) with PAH deficiency (PMID: 12501224, 23932990, 26600521, 27264808). ClinVar contains an entry for this variant (Variation ID: 944625). An algorithm developed to predict the effect of missense changes on protein structure and function (PolyPhen-2) suggests that this variant is likely to be disruptive. Experimental studies have shown that this missense change affects PAH function (PMID: 18538294). This variant disrupts the p.His170 amino acid residue in PAH. Other variant(s) that disrupt this residue have been determined to be pathogenic (PMID: 12501224, 23932990, 26600521, 27264808). This suggests that this residue is clinically significant, and that variants that disrupt this residue are likely to be disease-causing. For these reasons, this variant has been classified as Pathogenic.

Women's Health and Genetics/Laboratory Corporation of America, LabCorp
Classification: Pathogenic for Phenylketonuria. Last evaluated: 2023-05-25. Review status: criteria provided, single submitter. Criteria: LabCorp Variant Classification Summary - May 2015. Collection method: clinical testing. Allele origin: germline.
Comment: Variant summary: PAH c.510T>G (p.His170Gln) results in a non-conservative amino acid change located in the Aromatic amino acid hydroxylase, C-terminal domain (IPR019774) of the encoded protein sequence. Four of five in-silico tools predict a damaging effect of the variant on protein function. Other pathogenic variants located at the same codon have been reported in association with Phenyketonuria suggesting a critical relevance of this residue towards overall protein function. A different nucleotide variant, c.510T>A also translating to p.His170Gln has been reported in individuals with Phenylalanine Hydroxylase Deficiency (Phenylketoneuria). This variant is also located in the exonic-splice region and alters the first conserved nucleotide of exon 6 adjacent to the canonical splice acceptor site on intron 5. 4/4 computational tools predict no significant impact on normal splicing. However, these predictions have yet to be confirmed by functional studies. The variant allele was found at a frequency of 4e-06 in 250966 control chromosomes. p.His170Gln, devoid of the specification at the nucleotide level (i.e., c.510T>G versus c.510T>A) has been reported in the literature in individuals affected with Phenylalanine Hydroxylase Deficiency (Phenylketonuria) (example, Muntau_2002, Zhu_2013, Dobrowlski_2011). Based on the predicted absence of a splicing impact, both these variations can be expected to result in an identical molecular outcome. At least one publication reports experimental evidence evaluating an impact on protein function (Gersting_2008). The most pronounced variant effect results in approximately 60% of enzyme activity with either variable L-Phe and standard BH4 concentration or vice-versa and no difference in Km. The authors concluded that although residual enzyme activity was generally high, the allostery is disturbed pointing to an altered protein confirmation. The following publications have been ascertained in the context of this evaluation (PMID: 21147011, 12501224, 23932990, 18538294). Three clinical diagnostic laboratories have submitted clinical-significance assessments for this variant to ClinVar after 2014 without evidence for independent evaluation. All laboratories classified the variant as pathogenic. Based on the evidence outlined above, the variant was classified as pathogenic.

Revvity Omics, Revvity
Classification: Pathogenic for Phenylketonuria. Last evaluated: 2022-06-30. Review status: criteria provided, single submitter. Criteria: ACMG Guidelines, 2015. Collection method: clinical testing. Allele origin: germline.

Literature cited by the submitters: PubMed 23932990 (cited by 4 submitters); PubMed 21147011 (cited by Natera, Inc. and Women's Health and Genetics/Laboratory Corporation of America, LabCorp); PubMed 12501224 (cited by 3 submitters); PubMed 26600521 (cited by Variantyx, Inc. and Labcorp Genetics (formerly Invitae), Labcorp); PubMed 18538294 (cited by 3 submitters); PubMed 27264808 (cited by Labcorp Genetics (formerly Invitae), Labcorp).